The following is an entry in ClinVar:

ClinVar aggregate classification (germline): Pathogenic (1 of 4 stars; one submission).

Conditions:
Neurofibromatosis, type 1 (NF1). Also called: Neurofibromatosis, type I; VON RECKLINGHAUSEN DISEASE; NEUROFIBROMATOSIS, TYPE I, SOMATIC; Peripheral type neurofibromatosis. Identifiers: Orphanet 636, MedGen C0027831, MONDO:0018975, OMIM 162200. Disease mechanism: loss of function.

Submission:

Juno Genomics, Hangzhou Juno Genomics, Inc
Classification: Pathogenic for Neurofibromatosis, type 1. Review status: criteria provided, single submitter. Criteria: ACMG Guidelines, 2015. Collection method: clinical testing. Allele origin: germline. Affected: yes.
Comment: Null variant in a gene where loss of function (LOF) is a known mechanism of disease.;Absent from controls (or at extremely low frequency if recessive) in Genome Aggregation Database, Exome Sequencing Project, 1000 Genomes Project, or Exome Aggregation Consortium.;Patient's phenotype or family history is highly specific for a disease with a single genetic etiology.

NM_001042492.3(NF1):c.2776_2777del (p.Pro927fs)

Gene: NF1 (neurofibromin 1; plus strand). Cytogenetic location: 17q11.2.
Variant type: Deletion.
Coding change: c.2776_2777del on transcript NM_001042492.3 (MANE Select); coding-DNA positions 2776 to 2777, 2 bases deleted (AG; older notation c.2776_2777delAG).
Protein change: p.Pro927fs; shifts the reading frame from proline 927.
Molecular consequence: frameshift variant.
Genome position (GRCh38, 1-based): chr17:31,229,391-31,229,392, AG deleted; deleting any 2 consecutive bases within chr17:31,229,390-31,229,392 gives the same sequence; the c. name uses the placement nearest the transcript's 3' end. VCF-style (leftmost placement, unchanged base first): chr17-31229389-TGA-T. GRCh37 (hg19) VCF-style: chr17-29556407-TGA-T.
Other names: c.2776_2777delAG, p.Pro927Cysfs (NM_000267.4); short protein forms P927fs.
Identifiers: ClinVar variation 3382126 (VCV003382126.2).